The following is an entry in ClinVar:

NM_032119.4(ADGRV1):c.12049G>A (p.Asp4017Asn)

Gene: ADGRV1 (adhesion G protein-coupled receptor V1; plus strand). Cytogenetic location: 5q14.3.
Variant type: single nucleotide variant.
Coding change: c.12049G>A on transcript NM_032119.4 (MANE Select); coding-DNA position 12049, G replaced by A.
Protein change: p.Asp4017Asn; replaces aspartic acid 4017 with asparagine.
Molecular consequence: missense variant. On other transcripts: non-coding transcript variant (1).
Genome position (GRCh38, 1-based): chr5:90,759,517, G>A. VCF-style: chr5-90759517-G-A. GRCh37 (hg19) VCF-style: chr5-90055334-G-A.
Other names: short protein forms D4017N.
Identifiers: ClinVar variation 3777556 (VCV003777556.1).

ClinVar aggregate classification (germline): Uncertain significance (1 of 4 stars; one submission).

Submission:

GeneDx
Classification: Uncertain significance. Last evaluated: 2024-10-10. Review status: criteria provided, single submitter. Criteria: GeneDx Variant Classification Process June 2021. Collection method: clinical testing. Allele origin: germline. Affected: yes.
Comment: Not observed at significant frequency in large population cohorts (gnomAD); In silico analysis indicates that this missense variant does not alter protein structure/function; Has not been previously published as pathogenic or benign to our knowledge